The following is an entry in ClinVar:

NM_002474.3(MYH11):c.4411A>T (p.Arg1471Trp)

Genes: MYH11 (myosin heavy chain 11; minus strand), NDE1 (nudE neurodevelopment protein 1; plus strand). Cytogenetic location: 16p13.11.
Variant type: single nucleotide variant.
Coding change: c.4411A>T on transcript NM_002474.3 (MANE Select); coding-DNA position 4411, A replaced by T.
Protein change: p.Arg1471Trp; replaces arginine 1471 with tryptophan.
Molecular consequence: missense variant. On other transcripts: intron variant (2).
Genome position (GRCh38, 1-based): chr16:15,721,589, T>A on the plus strand (A>T on the coding strand, the complement: MYH11 is on the minus strand). VCF-style: chr16-15721589-T-A. GRCh37 (hg19) VCF-style: chr16-15815446-T-A.
Other names: c.4432A>T, p.Arg1478Trp (NM_001040113.2, NM_001040114.2); c.4411A>T, p.Arg1471Trp (NM_022844.3); c.948-2602T>A (NM_001143979.2, NM_017668.3); short protein forms R1478W, R1471W.
Identifiers: ClinVar variation 3400672 (VCV003400672.2).

ClinVar aggregate classification (germline): Uncertain significance. Review status: criteria provided, multiple submitters, no conflicts (2 of 4 stars). 2 submissions from 2 submitters: Uncertain significance (2). Last evaluated 2026-01-22.

Conditions:
Familial thoracic aortic aneurysm and aortic dissection (TAAD). Also called: Thoracic aortic aneurysms and dissections. Identifiers: Orphanet 91387, MedGen C4707243, MONDO:0019625.

Submissions (2):

GeneDx
Classification: Uncertain significance. Last evaluated: 2026-01-22. Review status: criteria provided, single submitter. Criteria: GeneDx Variant Classification Process June 2021. Collection method: clinical testing. Allele origin: germline.
Comment: Not observed at significant frequency in large population cohorts (gnomAD); In silico analysis supports that this missense variant has a deleterious effect on protein structure/function; Has not been previously published as pathogenic or benign to our knowledge

Ambry Genetics
Classification: Uncertain significance for Familial thoracic aortic aneurysm and aortic dissection. Last evaluated: 2024-11-09. Review status: criteria provided, single submitter. Criteria: Ambry Variant Classification Scheme 2023. Collection method: clinical testing. Allele origin: germline.